The following is an entry in ClinVar:

NM_001029.5(RPS26):c.1A>T (p.Met1Leu)

Gene: RPS26 (ribosomal protein S26; plus strand). Cytogenetic location: 12q13.2.
Variant type: single nucleotide variant.
Coding change: c.1A>T on transcript NM_001029.5 (MANE Select); coding-DNA position 1, A replaced by T.
Protein change: p.Met1Leu; changes the start codon (methionine 1).
Molecular consequence: missense variant, initiator codon variant.
Genome position (GRCh38, 1-based): chr12:56,042,167, A>T. VCF-style: chr12-56042167-A-T. GRCh37 (hg19) VCF-style: chr12-56435951-A-T.
Other names: c.1A>T, p.Met1Leu (LRG_1146t1); short protein forms M1L.
Identifiers: ClinVar variation 6123 (VCV000006123.43), dbSNP rs143951267, ClinGen allele CA253776.

ClinVar aggregate classification (germline): Pathogenic. Review status: criteria provided, multiple submitters, no conflicts (2 of 4 stars). 4 submissions from 4 submitters: Pathogenic (3). 1 of the submissions does not count toward it. Last evaluated 2024-10-28.

Conditions:
RPS26-related disorder. Also called: RPS26-related condition.
Diamond-Blackfan anemia 10 (DBA10). Also called: RPS26-Related Diamond-Blackfan Anemia. Identifiers: Orphanet 124, MedGen C2750080, MONDO:0013217, OMIM 613309.

Submissions (4):

Labcorp Genetics (formerly Invitae), Labcorp
Classification: Pathogenic for Diamond-Blackfan anemia 10. Last evaluated: 2024-10-28. Review status: criteria provided, single submitter. Criteria: Invitae Variant Classification Sherloc (09022015). Collection method: clinical testing. Allele origin: germline.
Comment: This sequence change affects the initiator methionine of the RPS26 mRNA. The next in-frame methionine is located at codon 115. This variant is not present in population databases (gnomAD no frequency). Disruption of the initiator codon has been observed in individual(s) with Diamond-Blackfan anemia (PMID: 20116044, 26136524). In at least one individual the variant was observed to be de novo. ClinVar contains an entry for this variant (Variation ID: 6123). For these reasons, this variant has been classified as Pathogenic.

CeGaT Center for Human Genetics Tuebingen
Classification: Pathogenic. Last evaluated: 2020-11-01. Review status: criteria provided, single submitter. Criteria: CeGaT Center For Human Genetics Tuebingen Variant Classification Criteria Version 2. Collection method: clinical testing. Allele origin: germline. Affected: yes. Observed: 1 variant allele.

Blueprint Genetics
Classification: Pathogenic for RPS26-related disorders. Last evaluated: 2020-10-01. Review status: criteria provided, single submitter. Criteria: ACMG Guidelines, 2015. Collection method: clinical testing. Allele origin: germline. Affected: yes. Observed: 1 variant allele.

OMIM
Classification: Pathogenic for DIAMOND-BLACKFAN ANEMIA 10. Last evaluated: 2010-02-12. Review status: no assertion criteria provided. Collection method: literature only. Allele origin: germline. Not counted in ClinVar's aggregate classification.

Literature cited by the submitters: PubMed 20116044 (cited by Labcorp Genetics (formerly Invitae), Labcorp and OMIM); PubMed 26136524 (cited by Labcorp Genetics (formerly Invitae), Labcorp).